The following is an entry in ClinVar:

ClinVar aggregate classification (germline): Pathogenic. Review status: criteria provided, multiple submitters, no conflicts (2 of 4 stars). 3 submissions from 3 submitters: Pathogenic (3). Last evaluated 2025-12-22.

Conditions:
Xeroderma pigmentosum variant type. Also called: XERODERMA PIGMENTOSUM WITH NORMAL DNA REPAIR RATES; POLH-Related Xeroderma Pigmentosum; PHOTOSENSITIVITY WITH DEFECTIVE DNA SYNTHESIS. Identifiers: Orphanet 90342, MedGen C1848410, MONDO:0010214, OMIM 278750.

Allele frequency attached by ClinVar (database versions not stated): ExAC 0.00001; gnomAD exomes 0.00001 and 0.00002.

Submissions (3):

Labcorp Genetics (formerly Invitae), Labcorp
Classification: Pathogenic. Last evaluated: 2025-12-22. Review status: criteria provided, single submitter. Criteria: Invitae Variant Classification Sherloc (09022015). Collection method: clinical testing. Allele origin: germline.
Comment: This sequence change creates a premature translational stop signal (p.Leu225Serfs*33) in the POLH gene. It is expected to result in an absent or disrupted protein product. Loss-of-function variants in POLH are known to be pathogenic (PMID: 11773631, 24130121, 25256075). This variant is present in population databases (rs772778835, gnomAD 0.009%). This premature translational stop signal has been observed in individual(s) with xeroderma pigmentosum (PMID: 35111200). ClinVar contains an entry for this variant (Variation ID: 1119983). For these reasons, this variant has been classified as Pathogenic.

Fulgent Genetics
Classification: Pathogenic for Xeroderma pigmentosum variant type. Last evaluated: 2024-05-15. Review status: criteria provided, single submitter. Criteria: ACMG Guidelines, 2015. Collection method: clinical testing. Allele origin: germline.

DNA Repair Laboratory, Institute of Biomedical Sciences - University of Sao Paulo
Classification: Pathogenic for Xeroderma pigmentosum variant type. Last evaluated: 2021-03-01. Review status: criteria provided, single submitter. Criteria: DNA Repair Laboratory Assertion Criteria. Collection method: research. Allele origin: germline. Affected: yes. Observed: 6 variant alleles.

Literature cited by the submitters: PubMed 11773631 (cited by Labcorp Genetics (formerly Invitae), Labcorp); PubMed 24130121 (cited by Labcorp Genetics (formerly Invitae), Labcorp); PubMed 25256075 (cited by Labcorp Genetics (formerly Invitae), Labcorp); PubMed 35111200 (cited by Labcorp Genetics (formerly Invitae), Labcorp and DNA Repair Laboratory, Institute of Biomedical Sciences - University of Sao Paulo).

NM_006502.3(POLH):c.672_673insT (p.Leu225fs)

Gene: POLH (DNA polymerase eta; plus strand). Cytogenetic location: 6p21.1.
Variant type: Insertion.
Coding change: c.672_673insT on transcript NM_006502.3 (MANE Select); coding-DNA positions 672 to 673, T inserted.
Protein change: p.Leu225fs; shifts the reading frame from leucine 225.
Molecular consequence: frameshift variant.
Genome position: GRCh38 VCF-style: chr6-43600999-A-AT. GRCh37 (hg19) VCF-style: chr6-43568736-A-AT.
Other names: c.300_301insT, p.Leu101fs (NM_001291969.2); c.672_673insT, p.Leu225fs (NM_001291970.2); short protein forms L101fs, L225fs.
Identifiers: ClinVar variation 1119983 (VCV001119983.7), dbSNP rs772778835, ClinGen allele CA3827052.
Genomic context (GRCh38, chr6:43,600,999, plus strand): 5'-CTTTGATGGGTTGACAGTAATGAGGTTTTTATACTTTGCATGCTTCCAGGTCCTGGCAAA[A>AT]CTGGCCTGTGGACTAAACAAGCCCAACCGCCAAACCCTGGTTTCACATGGGTCAGTCCCA-3'